The following is an entry in ClinVar:

ClinVar aggregate classification (germline): Uncertain significance (1 of 4 stars; one submission).

Allele frequency attached by ClinVar (database versions not stated): ExAC 0.00001.
gnomAD v4.1: 2 of 1,614,232 alleles (0.00012%); highest among the groups gnomAD compares: Admixed American, 0.0033%; no homozygotes.

Submission:

Labcorp Genetics (formerly Invitae), Labcorp
Classification: Uncertain significance. Last evaluated: 2020-07-13. Review status: criteria provided, single submitter. Criteria: Invitae Variant Classification Sherloc (09022015). Collection method: clinical testing. Allele origin: germline.
Comment: This variant is present in population databases (rs763822253, ExAC 0.009%). This variant has not been reported in the literature in individuals with ADAMTS18-related conditions. Algorithms developed to predict the effect of missense changes on protein structure and function (SIFT, PolyPhen-2, Align-GVGD) all suggest that this variant is likely to be tolerated, but these predictions have not been confirmed by published functional studies and their clinical significance is uncertain. In summary, the available evidence is currently insufficient to determine the role of this variant in disease. Therefore, it has been classified as a Variant of Uncertain Significance. This sequence change replaces proline with alanine at codon 233 of the ADAMTS18 protein (p.Pro233Ala). The proline residue is moderately conserved and there is a small physicochemical difference between proline and alanine.

NM_199355.4(ADAMTS18):c.697C>G (p.Pro233Ala)

Gene: ADAMTS18 (ADAM metallopeptidase with thrombospondin type 1 motif 18; minus strand). Cytogenetic location: 16q23.1.
Variant type: single nucleotide variant.
Coding change: c.697C>G on transcript NM_199355.4 (MANE Select); coding-DNA position 697, C replaced by G.
Protein change: p.Pro233Ala; replaces proline 233 with alanine.
Molecular consequence: missense variant.
Genome position (GRCh38, 1-based): chr16:77,367,522, G>C on the plus strand (C>G on the coding strand, the complement: ADAMTS18 is on the minus strand). VCF-style: chr16-77367522-G-C. GRCh37 (hg19) VCF-style: chr16-77401419-G-C.
Other names: c.177C>G, p.Phe59Leu (NM_001326358.2); short protein forms F59L, P233A.
Identifiers: ClinVar variation 968625 (VCV000968625.7), dbSNP rs763822253, ClinGen allele CA8181589.